The following is an entry in ClinVar:

NM_001329943.3(KIAA0586):c.1378_1381del (p.Ser460fs)

Gene: KIAA0586 (KIAA0586; plus strand). Cytogenetic location: 14q23.1.
Variant type: Deletion.
Coding change: c.1378_1381del on transcript NM_001329943.3 (MANE Select); coding-DNA positions 1378 to 1381, 4 bases deleted (AGTA; older notation c.1378_1381delAGTA).
Protein change: p.Ser460fs; shifts the reading frame from serine 460.
Molecular consequence: frameshift variant.
Genome position (GRCh38, 1-based): chr14:58,457,774-58,457,777, AGTA deleted. VCF-style (leftmost placement, unchanged base first): chr14-58457773-GAGTA-G. GRCh37 (hg19) VCF-style: chr14-58924491-GAGTA-G.
Other names: c.1537_1540del, p.Ser513fs (NM_001244189.2); c.1333_1336del, p.Ser445fs (NM_001244190.2); c.1123_1126del, p.Ser375fs (NM_001244191.2, NM_001329945.2, NM_001364700.1 and 1 more transcripts); c.1246_1249del, p.Ser416fs (NM_001244192.2); c.958_961del, p.Ser320fs (NM_001244193.2); c.1378_1381del, p.Ser460fs (NM_001329944.2, NM_001329946.2, NM_001329947.2 and 1 more transcripts); short protein forms S513fs, S445fs, S460fs, S320fs, S416fs, S375fs.
Identifiers: ClinVar variation 5005330 (VCV005005330.2).
Genomic context (GRCh38, chr14:58,457,773, plus strand): 5'-GAATCGTTGTGAGTTTAGTAACTTTCTGGTCTTTTTTTCTTTTAAGCCAAAAGAATCTCT[GAGTA>G]TGTTGAAGCTTCCAGATCTTCCACAGAATTCTGTTAAGCTTCAAACAACCAATACAACAA-3'

ClinVar aggregate classification (germline): Likely pathogenic (1 of 4 stars; one submission).

Conditions:
Short-rib thoracic dysplasia 14 with polydactyly (SRTD14). Identifiers: Orphanet 397715, MedGen C4225286, MONDO:0014688, OMIM 616546.
Joubert syndrome 23 (JBTS23). Identifiers: Orphanet 475, MedGen C4084822, MONDO:0014664, OMIM 616490.

Submission:

Juno Genomics, Hangzhou Juno Genomics, Inc
Classification: Likely pathogenic for Joubert syndrome 23; Short-rib thoracic dysplasia 14 with polydactyly. Review status: criteria provided, single submitter. Criteria: ACMG Guidelines, 2015. Collection method: clinical testing. Allele origin: germline.
Comment: Null variant in a gene where loss of function (LOF) is a known mechanism of disease.;Absent from controls (or at extremely low frequency if recessive) in Genome Aggregation Database.